The following is an entry in ClinVar:

NM_031935.3(HMCN1):c.12771T>C (p.His4257=)

Gene: HMCN1 (hemicentin 1; plus strand). Cytogenetic location: 1q31.1.
Variant type: single nucleotide variant.
Coding change: c.12771T>C on transcript NM_031935.3 (MANE Select); coding-DNA position 12771, T replaced by C.
Protein change: p.His4257=; no amino-acid change (histidine 4257 retained).
Molecular consequence: synonymous variant.
Genome position (GRCh38, 1-based): chr1:186,128,158, T>C. VCF-style: chr1-186128158-T-C. GRCh37 (hg19) VCF-style: chr1-186097290-T-C.
Identifiers: ClinVar variation 294251 (VCV000294251.40), dbSNP rs115171363, ClinGen allele CA1294460.
Genomic context (GRCh38, chr1:186,128,158, plus strand): 5'-TACCTGTGTTGCTAACAATGCTGCAGGTGAAGATACACACACTGTCAGCCTGACTGTGCA[T>C]GTTCTCCCCACTTTTACTGAACTTCCTGGAGACGTGTCATTAAATAAAGGAGAACAGCTA-3'
Protein context (NP_114141.2, residues 4247-4267): EDTHTVSLTV[His4257=]VLPTFTELPG

ClinVar aggregate classification (germline): Benign/Likely benign. Review status: criteria provided, multiple submitters, no conflicts (2 of 4 stars). 7 submissions from 7 submitters: Benign (3); Likely benign (3). 1 of the submissions does not count toward it. Last evaluated 2026-01-14.

Conditions:
HMCN1-related disorder. Also called: HMCN1-related condition.
Age related macular degeneration 1 (ARMD1). Also called: MACULOPATHY, AGE-RELATED, 1. Identifiers: MedGen C1864205, MONDO:0011285, OMIM 603075.

Allele frequency attached by ClinVar (database versions not stated): 1000 Genomes Project 0.00180; ESP Exome Variant Server 0.00192; 1000 Genomes Project 30x 0.00203; TOPMed 0.00211; ExAC 0.00240; gnomAD exomes 0.00256; gnomAD 0.00282 and 0.00295.
gnomAD v4.1: 5,085 of 1,613,748 alleles (0.32%); highest among the groups gnomAD compares: Non-Finnish European, 0.36%; 17 homozygotes.

Submissions (7):

Labcorp Genetics (formerly Invitae), Labcorp
Classification: Benign. Last evaluated: 2026-01-14. Review status: criteria provided, single submitter. Criteria: Invitae Variant Classification Sherloc (09022015). Collection method: clinical testing. Allele origin: germline.

Blueprint Genetics
Classification: Likely benign. Last evaluated: 2024-11-13. Review status: criteria provided, single submitter. Criteria: ACMG Guidelines, 2015. Collection method: clinical testing. Allele origin: germline.

Genome-Nilou Lab
Classification: Benign for Age related macular degeneration 1. Last evaluated: 2023-04-11. Review status: criteria provided, single submitter. Criteria: ACMG Guidelines, 2015. Collection method: clinical testing. Allele origin: germline. Affected: no.

CeGaT Center for Human Genetics Tuebingen
Classification: Benign. Last evaluated: 2022-03-01. Review status: criteria provided, single submitter. Criteria: CeGaT Center For Human Genetics Tuebingen Variant Classification Criteria Version 2. Collection method: clinical testing. Allele origin: germline. Affected: yes. Observed: 1 variant allele.
Comment: HMCN1: BP4, BS1, BS2

Illumina Laboratory Services, Illumina
Classification: Likely benign for Age related macular degeneration 1. Last evaluated: 2018-01-13. Review status: criteria provided, single submitter. Criteria: ICSL Variant Classification Criteria 13 December 2019. Collection method: clinical testing. Allele origin: germline.
Comment: This variant was observed in the ICSL laboratory as part of a predisposition screen in an ostensibly healthy population. It had not been previously curated by ICSL or reported in the Human Gene Mutation Database (HGMD: prior to June 1st, 2018), and was therefore a candidate for classification through an automated scoring system. Utilizing variant allele frequency, disease prevalence and penetrance estimates, and inheritance mode, an automated score was calculated to assess if this variant is too frequent to cause the disease. Based on the score and internal cut-off values, a variant classified as likely benign is not then subjected to further curation. The score for this variant resulted in a classification of likely benign for this disease.

Breakthrough Genomics
Classification: Likely benign. Review status: criteria provided, single submitter. Criteria: ACMG Guidelines, 2015. Collection method: not provided. Allele origin: germline. Inheritance: Autosomal dominant inheritance. Affected: yes.

PreventionGenetics, part of Exact Sciences
Classification: Benign for HMCN1-related condition. Last evaluated: 2019-10-29. Review status: no assertion criteria provided. Collection method: clinical testing. Allele origin: germline. Not counted in ClinVar's aggregate classification.
Comment: This variant is classified as benign based on ACMG/AMP sequence variant interpretation guidelines (Richards et al. 2015 PMID: 25741868, with internal and published modifications).